The following is an entry in ClinVar:

ClinVar aggregate classification (germline): Uncertain significance (1 of 4 stars; one submission).

gnomAD v4.1: 1 of 1,605,510 alleles (0.000062%); highest among the groups gnomAD compares: Middle Eastern, 0.017%; no homozygotes.

Submission:

Labcorp Genetics (formerly Invitae), Labcorp
Classification: Uncertain significance. Last evaluated: 2023-11-19. Review status: criteria provided, single submitter. Criteria: Invitae Variant Classification Sherloc (09022015). Collection method: clinical testing. Allele origin: germline.
Comment: This sequence change replaces serine, which is neutral and polar, with alanine, which is neutral and non-polar, at codon 318 of the MAP3K7 protein (p.Ser318Ala). This variant is not present in population databases (gnomAD no frequency). This variant has not been reported in the literature in individuals affected with MAP3K7-related conditions. An algorithm developed to predict the effect of missense changes on protein structure and function (PolyPhen-2) suggests that this variant is likely to be tolerated. In summary, the available evidence is currently insufficient to determine the role of this variant in disease. Therefore, it has been classified as a Variant of Uncertain Significance.

NM_145331.3(MAP3K7):c.952T>G (p.Ser318Ala)

Gene: MAP3K7 (mitogen-activated protein kinase kinase kinase 7; minus strand). Cytogenetic location: 6q15.
Variant type: single nucleotide variant.
Coding change: c.952T>G on transcript NM_145331.3 (MANE Select); coding-DNA position 952, T replaced by G.
Protein change: p.Ser318Ala; replaces serine 318 with alanine.
Molecular consequence: missense variant.
Genome position (GRCh38, 1-based): chr6:90,548,175, A>C on the plus strand (T>G on the coding strand, the complement: MAP3K7 is on the minus strand). VCF-style: chr6-90548175-A-C. GRCh37 (hg19) VCF-style: chr6-91257894-A-C.
Other names: c.952T>G, p.Ser318Ala (NM_003188.4, NM_145332.3, NM_145333.3); short protein forms S318A.
Identifiers: ClinVar variation 2693224 (VCV002693224.3), dbSNP rs1471178063, ClinGen allele CA365010472.